The following is an entry in ClinVar:

ClinVar aggregate classification (germline): Uncertain significance (1 of 4 stars; one submission).

Submission:

Laboratory for Molecular Medicine, Mass General Brigham Personalized Medicine
Classification: Uncertain significance. Last evaluated: 2012-05-02. Review status: criteria provided, single submitter. Criteria: LMM Criteria. Collection method: clinical testing. Allele origin: germline. Observed: 1 variant allele.
Comment: Variant classified as Uncertain Significance - Favor Pathogenic. The Asp364fs va riant (CASQ2) has not been reported in the literature nor previously identified by our laboratory. This frameshift variant is predicted to alter the protein?s a mino acid sequence beginning at position 364 and lead to a premature termination codon 10 amino acids downstream. This alteration is then predicted to lead to a truncated or absent protein. The role of loss of function variants in CASQ2 in cardiomyopathy remains unclear. A different frameshift variant was reported in i ndividuals with CPVT (di Barletta 2006). Individuals with clinical features of C PVT carried this variant in a homozygous state or as a compound heterozygote wit h another CASQ2 variant. Heterozygous carriers of the frameshift variant did not have features of CPVT, suggesting that cardiomyopathy related to this gene may be inherited in a recessive form. However, more information is needed to fully a ssess the inheritance of this gene in CPVT, as well as its role in other cardiom yopathies. In summary, the Asp364fs variant is likely to be pathogenic in recess ive CPVT, though segregation studies and functional analyses are required to ful ly establish the pathogenicity of this variant.

Literature cited by the submitters: PubMed 16908766.

NM_001232.4(CASQ2):c.1090dup (p.Asp364fs)

Gene: CASQ2 (calsequestrin 2; minus strand). Cytogenetic location: 1p13.1.
Variant type: Duplication.
Coding change: c.1090dup on transcript NM_001232.4 (MANE Select); coding-DNA position 1090, one base duplicated (G; older notation c.1090dupG).
Protein change: p.Asp364fs; shifts the reading frame from aspartic acid 364.
Molecular consequence: frameshift variant (on NM_001232.3).
Genome position (GRCh38, 1-based): chr1:115,701,351, C duplicated on the plus strand (G on the coding strand, the reverse complement: CASQ2 is on the minus strand); the first of 2 consecutive C bases (chr1:115,701,351-115,701,352); duplicating either gives the same sequence. VCF-style (leftmost placement, unchanged base first): chr1-115701350-T-TC. GRCh37 (hg19) VCF-style: chr1-116243971-T-TC.
Other names: NM_001232.3:c.1090dupG; p.Asp364GlyfsX10; c.1090_1091insG (NM_001232.3); short protein forms D364fs.
Identifiers: ClinVar variation 44154 (VCV000044154.4), dbSNP rs397516639, ClinGen allele CA133689.